The following is an entry in ClinVar:

ClinVar aggregate classification (germline): Uncertain significance (1 of 4 stars; one submission).

Conditions:
Epidermodysplasia verruciformis. Identifiers: Orphanet 302, MedGen C0014522, MONDO:0009176.

Allele frequency attached by ClinVar (database versions not stated): gnomAD exomes 0.00004; TOPMed 0.00003; ExAC 0.00011; ESP Exome Variant Server 0.00015.
gnomAD v4.1: 140 of 1,607,240 alleles (0.0087%); highest among the groups gnomAD compares: East Asian, 0.22%; 1 homozygote.

Submission:

Labcorp Genetics (formerly Invitae), Labcorp
Classification: Uncertain significance for Epidermodysplasia verruciformis. Last evaluated: 2022-04-29. Review status: criteria provided, single submitter. Criteria: Invitae Variant Classification Sherloc (09022015). Collection method: clinical testing. Allele origin: germline.
Comment: This sequence change replaces alanine, which is neutral and non-polar, with threonine, which is neutral and polar, at codon 665 of the TMC6 protein (p.Ala665Thr). The frequency data for this variant in the population databases is considered unreliable, as metrics indicate poor data quality at this position in the gnomAD database. This variant has not been reported in the literature in individuals affected with TMC6-related conditions. ClinVar contains an entry for this variant (Variation ID: 1026041). Algorithms developed to predict the effect of missense changes on protein structure and function are either unavailable or do not agree on the potential impact of this missense change (SIFT: "Not Available"; PolyPhen-2: "Possibly Damaging"; Align-GVGD: "Not Available"). In summary, the available evidence is currently insufficient to determine the role of this variant in disease. Therefore, it has been classified as a Variant of Uncertain Significance.

NM_001127198.5(TMC6):c.1993G>A (p.Ala665Thr)

Gene: TMC6 (transmembrane channel like 6; minus strand). Cytogenetic location: 17q25.3.
Variant type: single nucleotide variant.
Coding change: c.1993G>A on transcript NM_001127198.5 (MANE Select); coding-DNA position 1993, G replaced by A.
Protein change: p.Ala665Thr; replaces alanine 665 with threonine.
Molecular consequence: missense variant.
Genome position (GRCh38, 1-based): chr17:78,117,830, C>T on the plus strand (G>A on the coding strand, the complement: TMC6 is on the minus strand). VCF-style: chr17-78117830-C-T. GRCh37 (hg19) VCF-style: chr17-76113911-C-T.
Other names: c.1993G>A, p.Ala665Thr (NM_001321185.1, NM_001374596.1, NM_001375353.1 and 2 more transcripts); c.1813G>A, p.Ala605Thr (NM_001374593.1, NM_001374594.1); short protein forms A605T, A665T.
Identifiers: ClinVar variation 1026041 (VCV001026041.6), dbSNP rs148112314, ClinGen allele CA8795478.